The following is an entry in ClinVar:

NM_000540.3(RYR1):c.12545T>A (p.Ile4182Asn)

Gene: RYR1 (ryanodine receptor 1; plus strand). Cytogenetic location: 19q13.2.
Variant type: single nucleotide variant.
Coding change: c.12545T>A on transcript NM_000540.3 (MANE Select); coding-DNA position 12545, T replaced by A.
Protein change: p.Ile4182Asn; replaces isoleucine 4182 with asparagine.
Molecular consequence: missense variant.
Genome position (GRCh38, 1-based): chr19:38,561,375, T>A. VCF-style: chr19-38561375-T-A. GRCh37 (hg19) VCF-style: chr19-39052015-T-A.
Other names: c.12530T>A, p.Ile4177Asn (NM_001042723.2); short protein forms I4177N, I4182N.
Identifiers: ClinVar variation 3070375 (VCV003070375.1), dbSNP rs2514654003, ClinGen allele CA405669596.

ClinVar aggregate classification (germline): Uncertain significance (1 of 4 stars; one submission).

Conditions:
Malignant hyperthermia, susceptibility to, 1 (MHS1). Also called: RYR1-Related Malignant Hyperthermia Susceptibility; Anesthesia related hyperthermia; Malignant hyperpyrexia; Fulminating hyperpyrexia; Pharmacogenic myopathy; Malignant hyperthermia suceptibility 1. Identifiers: Orphanet 423, MedGen C2930980, MONDO:0007783, OMIM 145600.

Submission:

All of Us Research Program, National Institutes of Health
Classification: Uncertain significance for Malignant hyperthermia, susceptibility to, 1. Last evaluated: 2023-04-10. Review status: criteria provided, single submitter. Criteria: ACMG Guidelines, 2015. Collection method: clinical testing. Allele origin: germline. Inheritance: Autosomal dominant inheritance. Observed: 1 variant allele, 1 heterozygote.
Comment: This missense variant replaces isoleucine with asparagine at codon 4182 of the RYR1 protein. Computational prediction suggests that this variant may have deleterious impact on protein structure and function (internally defined REVEL score threshold >= 0.7, PMID: 27666373). To our knowledge, functional studies have not been reported for this variant. This variant has not been reported in individuals affected with RYR1-related disorders in the literature. This variant has not been identified in the general population by the Genome Aggregation Database (gnomAD). The available evidence is insufficient to determine the role of this variant in disease conclusively. Therefore, this variant is classified as a Variant of Uncertain Significance.

This study involves interpretation of variants in research participants for the purpose of population health screening. Participant phenotype was not available at the time of variant classification. Additional details can be found in publication PMID: 35346344, PMCID: PMC8962531